The following is an entry in ClinVar:

NM_000256.3(MYBPC3):c.772+9G>A

Gene: MYBPC3 (myosin binding protein C3; minus strand). Cytogenetic location: 11p11.2.
Variant type: single nucleotide variant.
Coding change: c.772+9G>A on transcript NM_000256.3 (MANE Select); 9 bases into the intron after coding-DNA position 772, G replaced by A.
Molecular consequence: intron variant.
Genome position (GRCh38, 1-based): chr11:47,348,415, C>T on the plus strand (G>A on the coding strand, the complement: MYBPC3 is on the minus strand). VCF-style: chr11-47348415-C-T. GRCh37 (hg19) VCF-style: chr11-47369966-C-T.
Identifiers: ClinVar variation 1158331 (VCV001158331.11), dbSNP rs566339669, ClinGen allele CA056737.

ClinVar aggregate classification (germline): Likely benign. Review status: criteria provided, single submitter (1 of 4 stars). 2 submissions from 2 submitters: Likely benign (1). 1 of the submissions does not count toward it. Last evaluated 2025-11-21.

Conditions:
Hypertrophic cardiomyopathy. Also called: HYPERTROPHIC MYOCARDIOPATHY. Identifiers: Orphanet 217569, MedGen C0007194, MeSH D002312, MONDO:0005045, HP:0001639.
MYBPC3-related disorder. Also called: MYBPC3-related disorders; MYBPC3-related condition; MYBPC3-related disease.

gnomAD v4.1: 14 of 1,596,774 alleles (0.00088%); highest among the groups gnomAD compares: Admixed American, 0.022%; no homozygotes.

Submissions (2):

Labcorp Genetics (formerly Invitae), Labcorp
Classification: Likely benign for Hypertrophic cardiomyopathy. Last evaluated: 2025-11-21. Review status: criteria provided, single submitter. Criteria: Invitae Variant Classification Sherloc (09022015). Collection method: clinical testing. Allele origin: germline.

PreventionGenetics, part of Exact Sciences
Classification: Likely benign for MYBPC3-related condition. Last evaluated: 2020-04-13. Review status: no assertion criteria provided. Collection method: clinical testing. Allele origin: germline. Not counted in ClinVar's aggregate classification.
Comment: This variant is classified as likely benign based on ACMG/AMP sequence variant interpretation guidelines (Richards et al. 2015 PMID: 25741868, with internal and published modifications).